The following is an entry in ClinVar:

NM_000059.4(BRCA2):c.4935_4936delinsT (p.Lys1645fs)

Gene: BRCA2 (BRCA2 DNA repair associated; plus strand). Cytogenetic location: 13q13.1.
Variant type: Indel.
Coding change: c.4935_4936delinsT on transcript NM_000059.4 (MANE Select); coding-DNA positions 4935 to 4936, AG replaced by T.
Protein change: p.Lys1645fs; shifts the reading frame from lysine 1645.
Molecular consequence: frameshift variant.
Genome position (GRCh38, 1-based): chr13:32,339,290-32,339,291, AG replaced by T. VCF-style: chr13-32339290-AG-T. GRCh37 (hg19) VCF-style: chr13-32913427-AG-T.
Other names: short protein forms K1645fs.
Identifiers: ClinVar variation 825310 (VCV000825310.4), dbSNP rs1593903850, ClinGen allele CA915948476.

ClinVar aggregate classification (germline): Pathogenic (1 of 4 stars; one submission).

Conditions:
Hereditary cancer-predisposing syndrome. Also called: Neoplastic Syndromes, Hereditary; Tumor predisposition; Hereditary neoplastic syndrome; Hereditary Cancer Syndrome. Identifiers: Orphanet 140162, MedGen C0027672, MeSH D009386, MONDO:0015356.

Submission:

Ambry Genetics
Classification: Pathogenic for Hereditary cancer-predisposing syndrome. Last evaluated: 2019-03-27. Review status: criteria provided, single submitter. Criteria: Ambry Variant Classification Scheme 2023. Collection method: clinical testing. Allele origin: germline.
Comment: The c.4935_4936delAGinsT pathogenic mutation, located in coding exon 10 of the BRCA2 gene, results from the deletion of two nucleotides and insertion of one nucleotide causing a translational frameshift with a predicted alternate stop codon (p.K1645Nfs*25). This alteration is expected to result in loss of function by premature protein truncation or nonsense-mediated mRNA decay. As such, this alteration is interpreted as a disease-causing mutation.